The following is an entry in ClinVar:

NM_000257.4(MYH7):c.3471dup (p.Ser1158fs)

Gene: MYH7 (myosin heavy chain 7; minus strand). Cytogenetic location: 14q11.2.
Variant type: Duplication.
Coding change: c.3471dup on transcript NM_000257.4 (MANE Select); coding-DNA position 3471, one base duplicated (G; older notation c.3471dupG).
Protein change: p.Ser1158fs; shifts the reading frame from serine 1158.
Molecular consequence: frameshift variant.
Genome position (GRCh38, 1-based): chr14:23,420,100, C duplicated on the plus strand (G on the coding strand, the reverse complement: MYH7 is on the minus strand). VCF-style (leftmost placement, unchanged base first): chr14-23420099-A-AC. GRCh37 (hg19) VCF-style: chr14-23889308-A-AC.
Other names: c.3471dup, p.Ser1158fs (NM_001407004.1); short protein forms S1158fs.
Identifiers: ClinVar variation 3020650 (VCV003020650.3), dbSNP rs1892412912, ClinGen allele CA2123446802.
Genomic context (GRCh38, chr14:23,420,099, plus strand): 5'-GGTCCCGCCGCATCTTCTGGAACTCGGCCTCGCGCTTCTTGTTCATCTCGATCTGCACGG[A>AC]CGTGGCCCCGCCGGCCTCTTCCAGCCGCTCGCTGATCTCCTCCAGCTCCCGAGACAGGTC-3'

ClinVar aggregate classification (germline): Uncertain significance (1 of 4 stars; one submission).

Conditions:
Hypertrophic cardiomyopathy. Also called: HYPERTROPHIC MYOCARDIOPATHY. Identifiers: Orphanet 217569, MedGen C0007194, MeSH D002312, MONDO:0005045, HP:0001639.

Allele frequency attached by ClinVar (database versions not stated): TOPMed below 0.00001.

Submission:

Labcorp Genetics (formerly Invitae), Labcorp
Classification: Uncertain significance for Hypertrophic cardiomyopathy. Last evaluated: 2024-12-10. Review status: criteria provided, single submitter. Criteria: Invitae Variant Classification Sherloc (09022015). Collection method: clinical testing. Allele origin: germline.
Comment: This sequence change creates a premature translational stop signal (p.Ser1158Valfs*73) in the MYH7 gene. It is expected to result in an absent or disrupted protein product. However, the current clinical and genetic evidence is not sufficient to establish whether loss-of-function variants in MYH7 cause disease. This variant is not present in population databases (gnomAD no frequency). This variant has not been reported in the literature in individuals affected with MYH7-related conditions. ClinVar contains an entry for this variant (Variation ID: 3020650). In summary, the available evidence is currently insufficient to determine the role of this variant in disease. Therefore, it has been classified as a Variant of Uncertain Significance.